The following is an entry in ClinVar:

NM_004369.4(COL6A3):c.4252_4254del (p.Lys1418del)

Gene: COL6A3 (collagen type VI alpha 3 chain; minus strand). Cytogenetic location: 2q37.3.
Variant type: Deletion.
Coding change: c.4252_4254del on transcript NM_004369.4 (MANE Select); coding-DNA positions 4252 to 4254, 3 bases deleted (AAG; older notation c.4252_4254delAAG).
Protein change: p.Lys1418del; deletes lysine 1418.
Molecular consequence: inframe deletion.
Genome position (GRCh38, 1-based): chr2:237,371,763-237,371,765, CTT deleted on the plus strand (AAG on the coding strand, the reverse complement: COL6A3 is on the minus strand); deleting any 3 consecutive bases within chr2:237,371,763-237,371,767 gives the same sequence; the c. name uses the placement nearest the transcript's 3' end. VCF-style (leftmost placement, unchanged base first): chr2-237371762-GCTT-G. GRCh37 (hg19) VCF-style: chr2-238280405-GCTT-G.
Other names: c.3031_3033del, p.Lys1011del (NM_057164.5); c.3634_3636del, p.Lys1212del (NM_057165.5, NM_057167.4); c.2431_2433del, p.Lys811del (NM_057166.5); short protein forms K1418del, K811del, K1212del, K1011del.
Identifiers: ClinVar variation 286444 (VCV000286444.8), dbSNP rs886043395, ClinGen allele CA10605466.
Genomic context (GRCh38, chr2:237,371,762, plus strand): 5'-CAAGGAGAACCTCCGACGCCCCCATCTCACCTGGAGGTGGATAGCGAGTGCTGGCTAAGA[GCTT>G]CTGGATCTGCTCTGAGGTCAGGGTCGTGATGGGCGTCAGCAGTTTCTGCTCCAGGCTGGG-3'

ClinVar aggregate classification (germline): Uncertain significance. Review status: criteria provided, multiple submitters, no conflicts (2 of 4 stars). 2 submissions from 2 submitters: Uncertain significance (2). Last evaluated 2025-10-14.

Conditions:
Bethlem myopathy 1A. Also called: Bethlem Muscular Dystrophy; MYOPATHY, BENIGN CONGENITAL, WITH CONTRACTURES; Bethlem myopathy 1. Identifiers: Orphanet 610, MedGen CN029274, MONDO:0024530, OMIM 158810.

Submissions (2):

Labcorp Genetics (formerly Invitae), Labcorp
Classification: Uncertain significance for Bethlem myopathy 1A. Last evaluated: 2025-10-14. Review status: criteria provided, single submitter. Criteria: Invitae Variant Classification Sherloc (09022015). Collection method: clinical testing. Allele origin: germline.
Comment: This variant, c.4252_4254del, results in the deletion of 1 amino acid(s) of the COL6A3 protein (p.Lys1418del), but otherwise preserves the integrity of the reading frame. This variant is present in population databases (no rsID available, gnomAD 0.004%). This variant has not been reported in the literature in individuals affected with COL6A3-related conditions. ClinVar contains an entry for this variant (Variation ID: 286444). Experimental studies and prediction algorithms are not available or were not evaluated, and the functional significance of this variant is currently unknown. In summary, the available evidence is currently insufficient to determine the role of this variant in disease. Therefore, it has been classified as a Variant of Uncertain Significance.

Eurofins Ntd Llc (ga)
Classification: Uncertain significance. Last evaluated: 2016-03-01. Review status: criteria provided, single submitter. Criteria: EGL Classification Definitions 2015. Collection method: clinical testing. Allele origin: germline. Observed: 1 variant allele, 1 heterozygote.